The following is an entry in ClinVar:

NM_017617.5(NOTCH1):c.6133G>A (p.Val2045Ile)

Genes: NOTCH1 (notch receptor 1; minus strand), LOC126860794 (BRD4-independent group 4 enhancer GRCh37_chr9:139392592-139393791; plus strand). Cytogenetic location: 9q34.3.
Variant type: single nucleotide variant.
Coding change: c.6133G>A on transcript NM_017617.5 (MANE Select); coding-DNA position 6133, G replaced by A.
Protein change: p.Val2045Ile; replaces valine 2045 with isoleucine.
Molecular consequence: missense variant.
Genome position (GRCh38, 1-based): chr9:136,498,946, C>T on the plus strand (G>A on the coding strand, the complement: NOTCH1 is on the minus strand). VCF-style: chr9-136498946-C-T. GRCh37 (hg19) VCF-style: chr9-139393398-C-T.
Other names: short protein forms V2045I.
Identifiers: ClinVar variation 4746426 (VCV004746426.1).
Genomic context (GRCh38, chr9:136,498,946, plus strand): 5'-GCCTCGCGCTCACCCTGTTGTTCTGCATATCTTTGTTAGCCCCGTTCTTCAGGAGCACAA[C>T]TGCGGCATCCACATTGTTCACGGCGGCGGCCCAGTGCAGGGCGGACTTGCCTGCGTGAAA-3'
Protein context (NP_060087.3, residues 2035-2055): AAAVNNVDAA[Val2045Ile]VLLKNGANKD

ClinVar aggregate classification (germline): Uncertain significance (1 of 4 stars; one submission).

Conditions:
Adams-Oliver syndrome 5 (AOS5). Identifiers: Orphanet 974, MedGen C4014970, MONDO:0014459, OMIM 616028.

gnomAD v4.1: 5 of 1,613,708 alleles (0.00031%); highest among the groups gnomAD compares: South Asian, 0.0044%; no homozygotes.

Submission:

Labcorp Genetics (formerly Invitae), Labcorp
Classification: Uncertain significance for Adams-Oliver syndrome 5. Last evaluated: 2026-01-01. Review status: criteria provided, single submitter. Criteria: Invitae Variant Classification Sherloc (09022015). Collection method: clinical testing. Allele origin: germline.
Comment: This sequence change replaces valine, which is neutral and non-polar, with isoleucine, which is neutral and non-polar, at codon 2045 of the NOTCH1 protein (p.Val2045Ile). This variant is not present in population databases (gnomAD no frequency). This variant has not been reported in the literature in individuals affected with NOTCH1-related conditions. Invitae Evidence Modeling of protein sequence and biophysical properties (such as structural, functional, and spatial information, amino acid conservation, physicochemical variation, residue mobility, and thermodynamic stability) indicates that this missense variant is not expected to disrupt NOTCH1 protein function with a negative predictive value of 80%. In summary, the available evidence is currently insufficient to determine the role of this variant in disease. Therefore, it has been classified as a Variant of Uncertain Significance.